The following is an entry in ClinVar:

ClinVar aggregate classification (germline): Uncertain significance (1 of 4 stars; one submission).

Conditions:
Diamond-Blackfan anemia. Also called: Blackfan Diamond syndrome; Aregenerative anemia chronic congenital; Red cell aplasia, pure hereditary; Congenital hypoplastic anemia; Aase syndrome. Identifiers: Orphanet 124, MedGen C1260899, MeSH D029503, MONDO:0015253, HP:0004810.

Allele frequency attached by ClinVar (database versions not stated): gnomAD exomes below 0.00001; TOPMed below 0.00001; ExAC 0.00001.
gnomAD v4.1: 2 of 1,612,722 alleles (0.00012%); highest among the groups gnomAD compares: Non-Finnish European, 0.00017%; no homozygotes.

Submission:

Labcorp Genetics (formerly Invitae), Labcorp
Classification: Uncertain significance for Diamond-Blackfan anemia. Last evaluated: 2023-04-15. Review status: criteria provided, single submitter. Criteria: Invitae Variant Classification Sherloc (09022015). Collection method: clinical testing. Allele origin: germline.
Comment: This sequence change replaces phenylalanine, which is neutral and non-polar, with leucine, which is neutral and non-polar, at codon 58 of the RPS24 protein (p.Phe58Leu). This variant is present in population databases (rs756639830, gnomAD 0.0009%). This variant has not been reported in the literature in individuals affected with RPS24-related conditions. An algorithm developed to predict the effect of missense changes on protein structure and function (PolyPhen-2) suggests that this variant is likely to be tolerated. In summary, the available evidence is currently insufficient to determine the role of this variant in disease. Therefore, it has been classified as a Variant of Uncertain Significance.

NM_033022.4(RPS24):c.172T>C (p.Phe58Leu)

Gene: RPS24 (ribosomal protein S24; plus strand). Cytogenetic location: 10q22.3.
Variant type: single nucleotide variant.
Coding change: c.172T>C on transcript NM_033022.4 (MANE Select); coding-DNA position 172, T replaced by C.
Protein change: p.Phe58Leu; replaces phenylalanine 58 with leucine.
Molecular consequence: missense variant.
Genome position (GRCh38, 1-based): chr10:78,035,613, T>C. VCF-style: chr10-78035613-T-C. GRCh37 (hg19) VCF-style: chr10-79795371-T-C.
Other names: c.172T>C, p.Phe58Leu (NM_001026.5, NM_001142282.2, NM_001142283.2 and 2 more transcripts); short protein forms F58L.
Identifiers: ClinVar variation 2749493 (VCV002749493.3), dbSNP rs756639830, ClinGen allele CA5571958.